The following is an entry in ClinVar:

ClinVar aggregate classification (germline): Benign/Likely benign. Review status: criteria provided, multiple submitters, no conflicts (2 of 4 stars). 8 submissions from 8 submitters: Benign (1); Likely benign (7). Last evaluated 2025-11-12.

Conditions:
Cardiovascular phenotype. Identifiers: MedGen CN230736.
Arrhythmogenic right ventricular dysplasia 8 (ARVD8). Also called: ARRHYTHMOGENIC RIGHT VENTRICULAR DYSPLASIA, FAMILIAL, 8; Arrhythmogenic Right Ventricular Dysplasia/Cardiomyopathy 8; ARRHYTHMOGENIC RIGHT VENTRICULAR CARDIOMYOPATHY 8. Identifiers: MedGen C1843896, MONDO:0011831, OMIM 607450.
Arrhythmogenic cardiomyopathy with wooly hair and keratoderma. Also called: Arrhythmogenic cardiomyopathy with woolly hair and keratoderma; Carvajal syndrome; Dilated cardiomyopathy with woolly hair and keratoderma; PALMOPLANTAR KERATODERMA WITH LEFT VENTRICULAR CARDIOMYOPATHY AND WOOLLY HAIR. Identifiers: Orphanet 65282, MedGen C1854063, MONDO:0011581, OMIM 605676.
Cardiomyopathy (CMYO). Also called: Cardiomyopathies. Identifiers: Orphanet 167848, MedGen C0878544, MONDO:0004994, HP:0001638. Inheritance: Various modes of inheritance.

Allele frequency attached by ClinVar (database versions not stated): gnomAD exomes 0.00003 and 0.00011; gnomAD 0.00005 and 0.00008; TOPMed 0.00005; ExAC 0.00010; 1000 Genomes Project 30x 0.00094; 1000 Genomes Project 0.00100.
gnomAD v4.1: 57 of 1,614,124 alleles (0.0035%); highest among the groups gnomAD compares: East Asian, 0.1%; 1 homozygote.

Submissions (8):

Labcorp Genetics (formerly Invitae), Labcorp
Classification: Benign for Arrhythmogenic cardiomyopathy with wooly hair and keratoderma; Arrhythmogenic right ventricular dysplasia 8. Last evaluated: 2025-11-12. Review status: criteria provided, single submitter. Criteria: Invitae Variant Classification Sherloc (09022015). Collection method: clinical testing. Allele origin: germline.

Blueprint Genetics
Classification: Likely benign. Last evaluated: 2024-06-17. Review status: criteria provided, single submitter. Criteria: ACMG Guidelines, 2015. Collection method: clinical testing. Allele origin: germline.

All of Us Research Program, National Institutes of Health
Classification: Likely benign for Arrhythmogenic cardiomyopathy with wooly hair and keratoderma. Last evaluated: 2023-10-27. Review status: criteria provided, single submitter. Criteria: ACMG Guidelines, 2015. Collection method: clinical testing. Allele origin: germline. Inheritance: Autosomal dominant inheritance. Observed: 7 variant alleles, 7 heterozygotes.
Comment: This study involves interpretation of variants in research participants for the purpose of population health screening. Participant phenotype was not available at the time of variant classification. Additional details can be found in publication PMID: 35346344, PMCID: PMC8962531

Women's Health and Genetics/Laboratory Corporation of America, LabCorp
Classification: Likely benign. Last evaluated: 2020-09-06. Review status: criteria provided, single submitter. Criteria: LabCorp Variant Classification Summary - May 2015. Collection method: clinical testing. Allele origin: germline.

GeneDx
Classification: Likely benign. Last evaluated: 2020-03-27. Review status: criteria provided, single submitter. Criteria: GeneDx Variant Classification Process June 2021. Collection method: clinical testing. Allele origin: germline. Affected: yes.

Color Diagnostics, LLC DBA Color Health
Classification: Likely benign for Cardiomyopathy. Last evaluated: 2018-10-22. Review status: criteria provided, single submitter. Criteria: ACMG Guidelines, 2015. Collection method: clinical testing. Allele origin: germline.

Ambry Genetics
Classification: Likely benign for Cardiovascular phenotype. Last evaluated: 2018-04-09. Review status: criteria provided, single submitter. Criteria: Ambry Variant Classification Scheme 2023. Collection method: clinical testing. Allele origin: germline.

CHEO Genetics Diagnostic Laboratory, Children's Hospital of Eastern Ontario
Classification: Likely benign for Cardiomyopathy. Last evaluated: 2017-09-07. Review status: criteria provided, single submitter. Criteria: ACMG Guidelines, 2015. Collection method: clinical testing. Allele origin: germline. Study: Canadian Open Genetics Repository.

NM_004415.4(DSP):c.4401A>G (p.Gln1467=)

Gene: DSP (desmoplakin; plus strand). Cytogenetic location: 6p24.3.
Variant type: single nucleotide variant.
Coding change: c.4401A>G on transcript NM_004415.4 (MANE Select); coding-DNA position 4401, A replaced by G.
Protein change: p.Gln1467=; no amino-acid change (glutamine 1467 retained).
Molecular consequence: synonymous variant. On other transcripts: intron variant (2).
Genome position (GRCh38, 1-based): chr6:7,580,591, A>G. VCF-style: chr6-7580591-A-G. GRCh37 (hg19) VCF-style: chr6-7580824-A-G.
Other names: c.4401A>G (LRG_423t1); c.4050+351A>G (NM_001319034.2); c.3582+819A>G (NM_001008844.3).
Identifiers: ClinVar variation 263576 (VCV000263576.23), dbSNP rs199818953, ClinGen allele CA041340.